The following is an entry in ClinVar:

ClinVar aggregate classification (germline): Likely pathogenic (1 of 4 stars; one submission).

Conditions:
Joubert syndrome and related disorders. Identifiers: Orphanet 140874, MedGen C5679612, MONDO:0015369.

Allele frequency attached by ClinVar (database versions not stated): gnomAD 0.00001.

Submission:

Women's Health and Genetics/Laboratory Corporation of America, LabCorp
Classification: Likely pathogenic for Joubert syndrome and related disorders. Last evaluated: 2023-02-01. Review status: criteria provided, single submitter. Criteria: LabCorp Variant Classification Summary - May 2015. Collection method: clinical testing. Allele origin: germline.
Comment: Variant summary: AHI1 c.1985G>A (p.Trp662X) results in a premature termination codon, predicted to cause a truncation of the encoded protein or absence of the protein due to nonsense mediated decay, which are commonly known mechanisms for disease. Truncations downstream of this position have been classified as pathogenic in ClinVar and reported in HGMD in association with Joubert syndrome. The variant was absent in 182382 control chromosomes. To our knowledge, no occurrence of c.1985G>A in individuals affected with Joubert Syndrome And Related Disorders and no experimental evidence demonstrating its impact on protein function have been reported. No clinical diagnostic laboratories have submitted clinical-significance assessments for this variant to ClinVar after 2014. Based on the evidence outlined above, the variant was classified as likely pathogenic.

NM_001134831.2(AHI1):c.1985G>A (p.Trp662Ter)

Gene: AHI1 (Abelson helper integration site 1; minus strand). Cytogenetic location: 6q23.3.
Variant type: single nucleotide variant.
Coding change: c.1985G>A on transcript NM_001134831.2 (MANE Select); coding-DNA position 1985, G replaced by A.
Protein change: p.Trp662Ter; replaces tryptophan 662 with a stop codon.
Molecular consequence: nonsense.
Genome position (GRCh38, 1-based): chr6:135,438,426, C>T on the plus strand (G>A on the coding strand, the complement: AHI1 is on the minus strand). VCF-style: chr6-135438426-C-T. GRCh37 (hg19) VCF-style: chr6-135759564-C-T.
Other names: c.1985G>A, p.Trp662Ter (NM_001134830.2, NM_001134832.2, NM_001350503.2 and 2 more transcripts); c.1985G>A (NM_017651.4); short protein forms W662*.
Identifiers: ClinVar variation 2445737 (VCV002445737.1), dbSNP rs1221909332, ClinGen allele CA365744237.